The following is an entry in ClinVar:

ClinVar aggregate classification (germline): Uncertain significance. Review status: criteria provided, multiple submitters, no conflicts (2 of 4 stars). 3 submissions from 3 submitters: Uncertain significance (3). Last evaluated 2025-04-10.

Conditions:
Inborn genetic diseases. Identifiers: MedGen C0950123, MeSH D030342.

Allele frequency attached by ClinVar (database versions not stated): ExAC below 0.00001; gnomAD 0.00001 and 0.00002.
gnomAD v4.1: 14 of 1,532,710 alleles (0.00091%); highest among the groups gnomAD compares: Admixed American, 0.0059%; no homozygotes.

Submissions (3):

Ambry Genetics
Classification: Uncertain significance for Inborn genetic diseases. Last evaluated: 2025-04-10. Review status: criteria provided, single submitter. Criteria: Ambry Variant Classification Scheme 2023. Collection method: clinical testing. Allele origin: germline.

Blueprint Genetics
Classification: Uncertain significance. Last evaluated: 2024-10-24. Review status: criteria provided, single submitter. Criteria: ACMG Guidelines, 2015. Collection method: clinical testing. Allele origin: germline.

Labcorp Genetics (formerly Invitae), Labcorp
Classification: Uncertain significance. Last evaluated: 2022-09-13. Review status: criteria provided, single submitter. Criteria: Invitae Variant Classification Sherloc (09022015). Collection method: clinical testing. Allele origin: germline.
Comment: This sequence change replaces arginine, which is basic and polar, with histidine, which is basic and polar, at codon 881 of the ARHGEF18 protein (p.Arg881His). This variant is not present in population databases (gnomAD no frequency). This variant has not been reported in the literature in individuals affected with ARHGEF18-related conditions. ClinVar contains an entry for this variant (Variation ID: 970036). Algorithms developed to predict the effect of missense changes on protein structure and function are either unavailable or do not agree on the potential impact of this missense change (SIFT: "Deleterious"; PolyPhen-2: "Probably Damaging"; Align-GVGD: "Class C0"). In summary, the available evidence is currently insufficient to determine the role of this variant in disease. Therefore, it has been classified as a Variant of Uncertain Significance.

NM_001367823.1(ARHGEF18):c.3206G>A (p.Arg1069His)

Gene: ARHGEF18 (Rho/Rac guanine nucleotide exchange factor 18; plus strand). Cytogenetic location: 19p13.2.
Variant type: single nucleotide variant.
Coding change: c.3206G>A on transcript NM_001367823.1 (MANE Select); coding-DNA position 3206, G replaced by A.
Protein change: p.Arg1069His; replaces arginine 1069 with histidine.
Molecular consequence: missense variant.
Genome position (GRCh38, 1-based): chr19:7,467,410, G>A. VCF-style: chr19-7467410-G-A. GRCh37 (hg19) VCF-style: chr19-7532296-G-A.
Other names: c.2480G>A, p.Arg827His (NM_001130955.2); c.2168G>A, p.Arg723His (NM_001367824.1, NM_015318.4); short protein forms R1069H, R723H, R827H.
Identifiers: ClinVar variation 970036 (VCV000970036.11), dbSNP rs752835131, ClinGen allele CA9137126.